The following is an entry in ClinVar:

NM_032520.5(GNPTG):c.599_600insG (p.Ile200fs)

Gene: GNPTG (N-acetylglucosamine-1-phosphate transferase subunit gamma; plus strand). Cytogenetic location: 16p13.3.
Variant type: Insertion.
Coding change: c.599_600insG on transcript NM_032520.5 (MANE Select); coding-DNA positions 599 to 600, G inserted.
Protein change: p.Ile200fs; shifts the reading frame from isoleucine 200.
Molecular consequence: frameshift variant.
Genome position: GRCh38 VCF-style: chr16-1362524-T-TG. GRCh37 (hg19) VCF-style: chr16-1412525-T-TG.
Other names: short protein forms I200fs.
Identifiers: ClinVar variation 1725183 (VCV001725183.2), dbSNP rs2548190467, ClinGen allele CA2580090554.
Genomic context (GRCh38, chr16:1,362,524, plus strand): 5'-TGCCAGAGGCCCTGCAGCGGCAGTGGGACCAGGTAGAGCAGGACCTGGCCGATGAGCTGA[T>TG]CACCCCCCAGGTAAGCGTGCGCTCGGGGTGGCCCCTGGTGGGCCTGGCTGGGAGCTGGGT-3'

ClinVar aggregate classification (germline): Likely pathogenic (1 of 4 stars; one submission).

Conditions:
GNPTG-mucolipidosis. Also called: ML III GAMMA; ML IIIC; MUCOLIPIDOSIS III, COMPLEMENTATION GROUP C; MUCOLIPIDOSIS III, IRANIAN VARIANT FORM; MUCOLIPIDOSIS III, VARIANT FORM; Mucolipidosis type III gamma. Identifiers: Orphanet 423470, Orphanet 577, MedGen C1854896, MONDO:0009652, OMIM 252605.

Submission:

Myriad Genetics, Inc.
Classification: Likely pathogenic for GNPTG-mucolipidosis. Last evaluated: 2022-03-14. Review status: criteria provided, single submitter. Criteria: Myriad Women's Health Autosomal Recessive and X-Linked Classification Criteria (2021). Collection method: clinical testing. Allele origin: unknown.
Comment: NM_032520.4(GNPTG):c.599_600insG(I200Mfs*7) is expected to be pathogenic in the context of mucolipidosis III gamma. This variant is predicted to lead to an abnormal or absent protein product due to the creation of a premature termination codon in GNPTG, a gene where loss-of-function variants are known to be pathogenic. Please note: this variant was assessed in the context of healthy population screening.